The following is an entry in ClinVar:

ClinVar aggregate classification (germline): Uncertain significance (1 of 4 stars; one submission).

Submission:

CeGaT Center for Human Genetics Tuebingen
Classification: Uncertain significance. Last evaluated: 2025-10-01. Review status: criteria provided, single submitter. Criteria: CeGaT Center For Human Genetics Tuebingen Variant Classification Criteria Version 2. Collection method: clinical testing. Allele origin: germline. Affected: yes. Observed: 1 variant allele.
Comment: SRRM2: PM2, BP4

NM_016333.4(SRRM2):c.1310C>G (p.Ser437Cys)

Gene: SRRM2 (serine/arginine repetitive matrix 2; plus strand). Cytogenetic location: 16p13.3.
Variant type: single nucleotide variant.
Coding change: c.1310C>G on transcript NM_016333.4 (MANE Select); coding-DNA position 1310, C replaced by G.
Protein change: p.Ser437Cys; replaces serine 437 with cysteine.
Molecular consequence: missense variant.
Genome position (GRCh38, 1-based): chr16:2,761,838, C>G. VCF-style: chr16-2761838-C-G. GRCh37 (hg19) VCF-style: chr16-2811839-C-G.
Other names: short protein forms S437C.
Identifiers: ClinVar variation 4281574 (VCV004281574.7).